The following is an entry in ClinVar:

NM_015046.7(SETX):c.3560A>T (p.Asp1187Val)

Gene: SETX (senataxin; minus strand). Cytogenetic location: 9q34.13.
Variant type: single nucleotide variant.
Coding change: c.3560A>T on transcript NM_015046.7 (MANE Select); coding-DNA position 3560, A replaced by T.
Protein change: p.Asp1187Val; replaces aspartic acid 1187 with valine.
Molecular consequence: missense variant.
Genome position (GRCh38, 1-based): chr9:132,328,038, T>A on the plus strand (A>T on the coding strand, the complement: SETX is on the minus strand). VCF-style: chr9-132328038-T-A. GRCh37 (hg19) VCF-style: chr9-135203425-T-A.
Other names: c.3560A>T, p.Asp1187Val (NM_001351527.2, NM_001351528.2); short protein forms D1187V.
Identifiers: ClinVar variation 4822281 (VCV004822281.4).

ClinVar aggregate classification (germline): Uncertain significance (1 of 4 stars; one submission).

Submission:

CeGaT Center for Human Genetics Tuebingen
Classification: Uncertain significance. Last evaluated: 2026-02-01. Review status: criteria provided, single submitter. Criteria: CeGaT Center For Human Genetics Tuebingen Variant Classification Criteria Version 2. Collection method: clinical testing. Allele origin: germline. Affected: yes. Observed: 1 variant allele.
Comment: SETX: PM2, BP4